The following is an entry in ClinVar:

ClinVar aggregate classification (germline): Uncertain significance (1 of 4 stars; one submission).

Conditions:
Lymphoproliferative syndrome 1 (LPFS1). Identifiers: Orphanet 238505, Orphanet 538963, MedGen C3552634, MONDO:0013081, OMIM 613011.

Allele frequency attached by ClinVar (database versions not stated): TOPMed below 0.00001.
gnomAD v4.1: 25 of 1,613,496 alleles (0.0015%); highest among the groups gnomAD compares: Non-Finnish European, 0.0021%; no homozygotes.

Submission:

Labcorp Genetics (formerly Invitae), Labcorp
Classification: Uncertain significance for Lymphoproliferative syndrome 1. Last evaluated: 2023-12-11. Review status: criteria provided, single submitter. Criteria: Invitae Variant Classification Sherloc (09022015). Collection method: clinical testing. Allele origin: germline.
Comment: This sequence change replaces aspartic acid, which is acidic and polar, with histidine, which is basic and polar, at codon 147 of the ITK protein (p.Asp147His). This variant is not present in population databases (gnomAD no frequency). This variant has not been reported in the literature in individuals affected with ITK-related conditions. ClinVar contains an entry for this variant (Variation ID: 2045322). Advanced modeling of protein sequence and biophysical properties (such as structural, functional, and spatial information, amino acid conservation, physicochemical variation, residue mobility, and thermodynamic stability) performed at Invitae indicates that this missense variant is not expected to disrupt ITK protein function with a negative predictive value of 95%. In summary, the available evidence is currently insufficient to determine the role of this variant in disease. Therefore, it has been classified as a Variant of Uncertain Significance.

NM_005546.4(ITK):c.439G>C (p.Asp147His)

Gene: ITK (IL2 inducible T cell kinase; plus strand). Cytogenetic location: 5q33.3.
Variant type: single nucleotide variant.
Coding change: c.439G>C on transcript NM_005546.4 (MANE Select); coding-DNA position 439, G replaced by C.
Protein change: p.Asp147His; replaces aspartic acid 147 with histidine.
Molecular consequence: missense variant.
Genome position (GRCh38, 1-based): chr5:157,214,304, G>C. VCF-style: chr5-157214304-G-C. GRCh37 (hg19) VCF-style: chr5-156641315-G-C.
Other names: short protein forms D147H.
Identifiers: ClinVar variation 2045322 (VCV002045322.4), dbSNP rs1463419892, ClinGen allele CA361951092.
Genomic context (GRCh38, chr5:157,214,304, plus strand): 5'-GATGGGAAGTGGAGGTGCTGTTCTCAGCTGGAGAAGCTTGCAACAGGCTGTGCCCAATAT[G>C]ATCCAACCAAGAATGGTAAGAGACTGGGAATTCCCTCTAGTTTTTGTGAAATGACCATAA-3'
Protein context (NP_005537.3, residues 137-157): EKLATGCAQY[Asp147His]PTKNASKKPL